The following is an entry in ClinVar:

ClinVar aggregate classification (germline): Uncertain significance (1 of 4 stars; one submission).

Allele frequency attached by ClinVar (database versions not stated): TOPMed 0.00001.

Submission:

Mayo Clinic Laboratories, Mayo Clinic
Classification: Uncertain significance. Last evaluated: 2022-06-27. Review status: criteria provided, single submitter. Criteria: ACMG Guidelines, 2015. Collection method: clinical testing. Allele origin: germline. Observed: 2 variant alleles.
Comment: PM2

NM_000312.4(PROC):c.627T>A (p.Asp209Glu)

Gene: PROC (protein C, inactivator of coagulation factors Va and VIIIa; plus strand). Cytogenetic location: 2q14.3.
Variant type: single nucleotide variant.
Coding change: c.627T>A on transcript NM_000312.4 (MANE Select); coding-DNA position 627, T replaced by A.
Protein change: p.Asp209Glu; replaces aspartic acid 209 with glutamic acid.
Molecular consequence: missense variant.
Genome position (GRCh38, 1-based): chr2:127,426,176, T>A. VCF-style: chr2-127426176-T-A. GRCh37 (hg19) VCF-style: chr2-128183752-T-A.
Other names: p.Asp209Glu; c.810T>A, p.Asp270Glu (NM_001375602.1); c.792T>A, p.Asp264Glu (NM_001375603.1); c.690T>A, p.Asp230Glu (NM_001375604.1); c.729T>A, p.Asp243Glu (NM_001375605.1); c.795T>A, p.Asp265Glu (NM_001375606.1); c.813T>A, p.Asp271Glu (NM_001375607.1); c.570T>A, p.Asp190Glu (NM_001375608.1); and 3 more; short protein forms D190E, D201E, D207E, D209E, D230E, D243E, D264E, D265E.
Identifiers: ClinVar variation 2682747 (VCV002682747.1), dbSNP rs1216244436, ClinGen allele CA348401479.
Genomic context (GRCh38, chr2:127,426,176, plus strand): 5'-GATGGAGAAGAAGCGCAGTCACCTGAAACGAGACACAGAAGACCAAGAAGACCAAGTAGA[T>A]CCGCGGCTCATTGATGGGAAGATGACCAGGCGGGGAGACAGCCCCTGGCAGGTGGGAGGC-3'
Protein context (NP_000303.1, residues 199-219): RDTEDQEDQV[Asp209Glu]PRLIDGKMTR